The following is an entry in ClinVar:

ClinVar aggregate classification (germline): Uncertain significance (1 of 4 stars; one submission).

Conditions:
Inborn genetic diseases. Identifiers: MedGen C0950123, MeSH D030342.

Submission:

Ambry Genetics
Classification: Uncertain significance for Inborn genetic diseases. Last evaluated: 2025-10-09. Review status: criteria provided, single submitter. Criteria: Ambry Variant Classification Scheme 2023. Collection method: clinical testing. Allele origin: germline.
Comment: The p.H202Q variant (also known as c.606C>G), located in coding exon 7 of the DDX41 gene, results from a C to G substitution at nucleotide position 606. The histidine at codon 202 is replaced by glutamine, an amino acid with highly similar properties. This amino acid position is conserved. In addition, this alteration is predicted to be tolerated by in silico analysis. Based on the available evidence, the clinical significance of this variant remains unclear.

NM_016222.4(DDX41):c.606C>G (p.His202Gln)

Gene: DDX41 (DEAD-box helicase 41; minus strand). Cytogenetic location: 5q35.3.
Variant type: single nucleotide variant.
Coding change: c.606C>G on transcript NM_016222.4 (MANE Select); coding-DNA position 606, C replaced by G.
Protein change: p.His202Gln; replaces histidine 202 with glutamine.
Molecular consequence: missense variant.
Genome position (GRCh38, 1-based): chr5:177,515,224, G>C on the plus strand (C>G on the coding strand, the complement: DDX41 is on the minus strand). VCF-style: chr5-177515224-G-C. GRCh37 (hg19) VCF-style: chr5-176942225-G-C.
Other names: c.228C>G, p.His76Gln (NM_001321732.2, NM_001321830.2); short protein forms H76Q, H202Q.
Identifiers: ClinVar variation 4617147 (VCV004617147.1).